The following is an entry in ClinVar:

ClinVar aggregate classification (germline): Uncertain significance (1 of 4 stars; one submission).

Conditions:
Lysinuric protein intolerance (LPI). Identifiers: Orphanet 470, MedGen C0268647, MONDO:0009109, OMIM 222700.

Allele frequency attached by ClinVar (database versions not stated): gnomAD 0.00001; TOPMed 0.00002.
gnomAD v4.1: 11 of 1,613,988 alleles (0.00068%); highest among the groups gnomAD compares: Middle Eastern, 0.016%; no homozygotes.

Submission:

Labcorp Genetics (formerly Invitae), Labcorp
Classification: Uncertain significance for Lysinuric protein intolerance. Last evaluated: 2022-05-28. Review status: criteria provided, single submitter. Criteria: Invitae Variant Classification Sherloc (09022015). Collection method: clinical testing. Allele origin: germline.
Comment: This sequence change replaces arginine, which is basic and polar, with serine, which is neutral and polar, at codon 481 of the SLC7A7 protein (p.Arg481Ser). This variant is present in population databases (no rsID available, gnomAD 0.003%). This variant has not been reported in the literature in individuals affected with SLC7A7-related conditions. Algorithms developed to predict the effect of missense changes on protein structure and function (SIFT, PolyPhen-2, Align-GVGD) all suggest that this variant is likely to be tolerated. In summary, the available evidence is currently insufficient to determine the role of this variant in disease. Therefore, it has been classified as a Variant of Uncertain Significance.

NM_003982.4(SLC7A7):c.1443G>T (p.Arg481Ser)

Gene: SLC7A7 (solute carrier family 7 member 7; minus strand). Cytogenetic location: 14q11.2.
Variant type: single nucleotide variant.
Coding change: c.1443G>T on transcript NM_003982.4 (MANE Select); coding-DNA position 1443, G replaced by T.
Protein change: p.Arg481Ser; replaces arginine 481 with serine.
Molecular consequence: missense variant.
Genome position (GRCh38, 1-based): chr14:22,773,703, C>A on the plus strand (G>T on the coding strand, the complement: SLC7A7 is on the minus strand). VCF-style: chr14-22773703-C-A. GRCh37 (hg19) VCF-style: chr14-23242912-C-A.
Other names: c.1443G>T, p.Arg481Ser (NM_001126105.3, NM_001126106.4); short protein forms R481S.
Identifiers: ClinVar variation 2152673 (VCV002152673.1), dbSNP rs748360606, ClinGen allele CA257723466.